The following is an entry in ClinVar:

NM_138713.4(NFAT5):c.3478C>A (p.Leu1160Ile)

Gene: NFAT5 (nuclear factor of activated T cells 5; plus strand). Cytogenetic location: 16q22.1.
Variant type: single nucleotide variant.
Coding change: c.3478C>A on transcript NM_138713.4 (MANE Select); coding-DNA position 3478, C replaced by A.
Protein change: p.Leu1160Ile; replaces leucine 1160 with isoleucine.
Molecular consequence: missense variant.
Genome position (GRCh38, 1-based): chr16:69,693,303, C>A. VCF-style: chr16-69693303-C-A. GRCh37 (hg19) VCF-style: chr16-69727206-C-A.
Other names: c.3475C>A, p.Leu1159Ile (NM_001113178.3); c.2803C>A, p.Leu935Ile (NM_001367709.1); c.3424C>A, p.Leu1142Ile (NM_006599.4); c.3196C>A, p.Leu1066Ile (NM_138714.4, NM_173214.3, NM_173215.3); short protein forms L1066I, L1142I, L1159I, L1160I, L935I.
Identifiers: ClinVar variation 1024621 (VCV001024621.8), dbSNP rs749509432, ClinGen allele CA8135912.

ClinVar aggregate classification (germline): Uncertain significance (1 of 4 stars; one submission).

Conditions:
Immunodeficiency. Identifiers: MedGen C0021051, MONDO:0021094, HP:0002721.

Allele frequency attached by ClinVar (database versions not stated): gnomAD exomes below 0.00001; TOPMed below 0.00001; ExAC 0.00001.
gnomAD v4.1: 1 of 1,614,222 alleles (0.000062%); highest among the groups gnomAD compares: Admixed American, 0.0017%; no homozygotes.

Submission:

Labcorp Genetics (formerly Invitae), Labcorp
Classification: Uncertain significance for Immunodeficiency. Last evaluated: 2025-07-28. Review status: criteria provided, single submitter. Criteria: Invitae Variant Classification Sherloc (09022015). Collection method: clinical testing. Allele origin: germline.
Comment: This sequence change replaces leucine, which is neutral and non-polar, with isoleucine, which is neutral and non-polar, at codon 1066 of the NFAT5 protein (p.Leu1066Ile). This variant is present in population databases (rs749509432, gnomAD 0.003%). This variant has not been reported in the literature in individuals affected with NFAT5-related conditions. ClinVar contains an entry for this variant (Variation ID: 1024621). An algorithm developed to predict the effect of missense changes on protein structure and function (PolyPhen-2) suggests that this variant is likely to be tolerated. In summary, the available evidence is currently insufficient to determine the role of this variant in disease. Therefore, it has been classified as a Variant of Uncertain Significance.